The following is an entry in ClinVar:

NM_000257.4(MYH7):c.1956+120G>A

Gene: MYH7 (myosin heavy chain 7; minus strand). Cytogenetic location: 14q11.2.
Variant type: single nucleotide variant.
Coding change: c.1956+120G>A on transcript NM_000257.4 (MANE Select); 120 bases into the intron after coding-DNA position 1956, G replaced by A.
Molecular consequence: intron variant.
Genome position (GRCh38, 1-based): chr14:23,427,120, C>T on the plus strand (G>A on the coding strand, the complement: MYH7 is on the minus strand). VCF-style: chr14-23427120-C-T. GRCh37 (hg19) VCF-style: chr14-23896329-C-T.
Identifiers: ClinVar variation 674362 (VCV000674362.1), dbSNP rs45463697, ClinGen allele CA257821740.

ClinVar aggregate classification (germline): Likely benign (1 of 4 stars; one submission).

Allele frequency attached by ClinVar (database versions not stated): 1000 Genomes Project 30x 0.00172; 1000 Genomes Project 0.00180; TOPMed 0.00207; gnomAD 0.00308 and 0.00317; gnomAD exomes 0.00310.
gnomAD v4.1: 3,209 of 1,045,032 alleles (0.31%); highest among the groups gnomAD compares: Non-Finnish European, 0.33%; 5 homozygotes.

Submission:

GeneDx
Classification: Likely benign. Last evaluated: 2018-06-14. Review status: criteria provided, single submitter. Criteria: GeneDx Variant Classification (06012015). Collection method: clinical testing. Allele origin: germline. Affected: yes.
Comment: This variant is considered likely benign or benign based on one or more of the following criteria: it is a conservative change, it occurs at a poorly conserved position in the protein, it is predicted to be benign by multiple in silico algorithms, and/or has population frequency not consistent with disease.